The following is an entry in ClinVar:

NM_000051.4(ATM):c.5093A>T (p.Lys1698Met)

Gene: ATM (ATM serine/threonine kinase; plus strand). Cytogenetic location: 11q22.3.
Variant type: single nucleotide variant.
Coding change: c.5093A>T on transcript NM_000051.4 (MANE Select); coding-DNA position 5093, A replaced by T.
Protein change: p.Lys1698Met; replaces lysine 1698 with methionine.
Molecular consequence: missense variant.
Genome position (GRCh38, 1-based): chr11:108,299,801, A>T. VCF-style: chr11-108299801-A-T. GRCh37 (hg19) VCF-style: chr11-108170528-A-T.
Other names: c.5093A>T, p.Lys1698Met (NM_001351834.2); short protein forms K1698M.
Identifiers: ClinVar variation 638920 (VCV000638920.8), dbSNP rs1591702557, ClinGen allele CA382540697.

ClinVar aggregate classification (germline): Uncertain significance (1 of 4 stars; one submission).

Conditions:
Ataxia-telangiectasia syndrome (AT). Also called: Ataxia-telangiectasia, complementation group D; AT, COMPLEMENTATION GROUP C; Ataxia-telangiectasia; ATAXIA-TELANGIECTASIA, COMPLEMENTATION GROUP A; ATAXIA-TELANGIECTASIA, FRESNO VARIANT; LOUIS-BAR SYNDROME. Identifiers: Orphanet 100, MedGen C0004135, MONDO:0008840, OMIM 208900.

Submission:

Labcorp Genetics (formerly Invitae), Labcorp
Classification: Uncertain significance for Ataxia-telangiectasia syndrome. Last evaluated: 2020-09-09. Review status: criteria provided, single submitter. Criteria: Invitae Variant Classification Sherloc (09022015). Collection method: clinical testing. Allele origin: germline.
Comment: This sequence change replaces lysine with methionine at codon 1698 of the ATM protein (p.Lys1698Met). The lysine residue is moderately conserved and there is a moderate physicochemical difference between lysine and methionine. This variant is not present in population databases (ExAC no frequency). This variant has not been reported in the literature in individuals with ATM-related conditions. Algorithms developed to predict the effect of missense changes on protein structure and function are either unavailable or do not agree on the potential impact of this missense change (SIFT: "Deleterious"; PolyPhen-2: "Possibly Damaging"; Align-GVGD: "Class C0"). In summary, the available evidence is currently insufficient to determine the role of this variant in disease. Therefore, it has been classified as a Variant of Uncertain Significance.